The following is an entry in ClinVar:

NM_001367873.1(SOX6):c.2074C>T (p.Pro692Ser)

Gene: SOX6 (SRY-box transcription factor 6; minus strand). Cytogenetic location: 11p15.2.
Variant type: single nucleotide variant.
Coding change: c.2074C>T on transcript NM_001367873.1 (MANE Select); coding-DNA position 2074, C replaced by T.
Protein change: p.Pro692Ser; replaces proline 692 with serine.
Molecular consequence: missense variant.
Genome position (GRCh38, 1-based): chr11:15,986,313, G>A on the plus strand (C>T on the coding strand, the complement: SOX6 is on the minus strand). VCF-style: chr11-15986313-G-A. GRCh37 (hg19) VCF-style: chr11-16007859-G-A.
Other names: c.1993C>T, p.Pro665Ser (NM_001145811.2, NM_017508.3); c.2074C>T, p.Pro692Ser (NM_001145819.2); c.1951C>T, p.Pro651Ser (NM_001367872.1); c.2014C>T, p.Pro672Ser (NM_033326.3); short protein forms P651S, P665S, P672S, P692S.
Identifiers: ClinVar variation 1698987 (VCV001698987.3), dbSNP rs2119818229, ClinGen allele CA379873643.

ClinVar aggregate classification (germline): Likely pathogenic (1 of 4 stars; one submission).

Conditions:
Neurodevelopmental disorder. Identifiers: MedGen C1535926, MeSH D065886, MONDO:0700092.

Submission:

Victorian Clinical Genetics Services, Murdoch Childrens Research Institute
Classification: Likely pathogenic for Neurodevelopmental disorder. Last evaluated: 2020-10-19. Review status: criteria provided, single submitter. Criteria: ACMG Guidelines, 2015. Collection method: clinical testing. Allele origin: germline. Inheritance: Autosomal dominant inheritance. Affected: yes.
Comment: Based on the classification scheme VCGS_Germline_v1.3.3, this variant is classified as Likely pathogenic. Following criteria are met: 0102 - Loss of function is a mechanism of disease in this gene and is associated with SOX6-related neurodevelopmental disorder (PMID: 32442410). (I) 0107 - This gene is associated with autosomal dominant disease. (I) 0200 - Variant is predicted to result in a missense amino acid change from proline to serine. (I) 0251 - This variant is heterozygous. (I) 0301 - Variant is absent from gnomAD (both v2 and v3). (SP) 0502 - Missense variant with conflicting in silico predictions but very high conservation. (I) 0600 - Variant is located in the annotated HMG domain (PMID: 32442410). (I) 0705 - No comparable missense variants have previous evidence for pathogenicity. (I) 0807 - This variant has no previous evidence of pathogenicity. (I) 0905 - No published segregation evidence has been identified for this variant. (I) 1007 - No published functional evidence has been identified for this variant. (SP) Legend: (SP) - Supporting pathogenic, (I) - Information, (SB) - Supporting benign

Literature cited by the submitters: PubMed 32442410.